The following is an entry in ClinVar:

NM_000127.3(EXT1):c.232G>A (p.Val78Met)

Gene: EXT1 (exostosin glycosyltransferase 1; minus strand). Cytogenetic location: 8q24.11.
Variant type: single nucleotide variant.
Coding change: c.232G>A on transcript NM_000127.3 (MANE Select); coding-DNA position 232, G replaced by A.
Protein change: p.Val78Met; replaces valine 78 with methionine.
Molecular consequence: missense variant.
Genome position (GRCh38, 1-based): chr8:118,110,815, C>T on the plus strand (G>A on the coding strand, the complement: EXT1 is on the minus strand). VCF-style: chr8-118110815-C-T. GRCh37 (hg19) VCF-style: chr8-119123054-C-T.
Other names: short protein forms V78M.
Identifiers: ClinVar variation 2165093 (VCV002165093.4), dbSNP rs763650236, ClinGen allele CA4854389.

ClinVar aggregate classification (germline): Uncertain significance (1 of 4 stars; one submission).

Conditions:
Multiple congenital exostosis (EXT). Also called: Multiple exostoses; Multiple osteochondromas; MULTIPLE CARTILAGINOUS EXOSTOSES; Hereditary multiple osteochondromas; Hereditary multiple exostoses; Hereditary multiple exostosis. Identifiers: Orphanet 321, MedGen C0015306, MONDO:0005508, HP:0002762.

Allele frequency attached by ClinVar (database versions not stated): gnomAD exomes below 0.00001; TOPMed below 0.00001; ExAC 0.00001; gnomAD 0.00001.
gnomAD v4.1: 4 of 1,612,638 alleles (0.00025%); highest among the groups gnomAD compares: South Asian, 0.0022%; no homozygotes.

Submission:

Labcorp Genetics (formerly Invitae), Labcorp
Classification: Uncertain significance for Multiple congenital exostosis. Last evaluated: 2025-04-14. Review status: criteria provided, single submitter. Criteria: Invitae Variant Classification Sherloc (09022015). Collection method: clinical testing. Allele origin: germline.
Comment: This sequence change replaces valine, which is neutral and non-polar, with methionine, which is neutral and non-polar, at codon 78 of the EXT1 protein (p.Val78Met). This variant is present in population databases (rs763650236, gnomAD 0.003%). This variant has not been reported in the literature in individuals affected with EXT1-related conditions. ClinVar contains an entry for this variant (Variation ID: 2165093). Invitae Evidence Modeling of protein sequence and biophysical properties (such as structural, functional, and spatial information, amino acid conservation, physicochemical variation, residue mobility, and thermodynamic stability) indicates that this missense variant is not expected to disrupt EXT1 protein function with a negative predictive value of 95%. In summary, the available evidence is currently insufficient to determine the role of this variant in disease. Therefore, it has been classified as a Variant of Uncertain Significance.